The following is an entry in ClinVar:

NM_015100.4(POGZ):c.2857C>T (p.Gln953Ter)

Gene: POGZ (pogo transposable element derived with ZNF domain; minus strand). Cytogenetic location: 1q21.3.
Variant type: single nucleotide variant.
Coding change: c.2857C>T on transcript NM_015100.4 (MANE Select); coding-DNA position 2857, C replaced by T.
Protein change: p.Gln953Ter; replaces glutamine 953 with a stop codon.
Molecular consequence: nonsense.
Genome position (GRCh38, 1-based): chr1:151,406,178, G>A on the plus strand (C>T on the coding strand, the complement: POGZ is on the minus strand). VCF-style: chr1-151406178-G-A. GRCh37 (hg19) VCF-style: chr1-151378654-G-A.
Other names: c.2830C>T, p.Gln944Ter (NM_001194937.2); c.2671C>T, p.Gln891Ter (NM_001194938.2); c.2878C>T, p.Gln960Ter (NM_001410860.1); c.2572C>T, p.Gln858Ter (NM_145796.4); c.2698C>T, p.Gln900Ter (NM_207171.2); short protein forms Q891*, Q900*, Q953*, Q960*, Q858*, Q944*.
Identifiers: ClinVar variation 3645889 (VCV003645889.2).

ClinVar aggregate classification (germline): Pathogenic (1 of 4 stars; one submission).

Submission:

Labcorp Genetics (formerly Invitae), Labcorp
Classification: Pathogenic. Last evaluated: 2024-03-14. Review status: criteria provided, single submitter. Criteria: Invitae Variant Classification Sherloc (09022015). Collection method: clinical testing. Allele origin: germline.
Comment: This sequence change creates a premature translational stop signal (p.Gln953*) in the POGZ gene. While this is not anticipated to result in nonsense mediated decay, it is expected to disrupt the last 458 amino acid(s) of the POGZ protein. This variant is not present in population databases (gnomAD no frequency). This variant has not been reported in the literature in individuals affected with POGZ-related conditions. This variant disrupts a region of the POGZ protein in which other variant(s) (p.Glu1154Thrfs*4) have been determined to be pathogenic (PMID: 26942287). This suggests that this is a clinically significant region of the protein, and that variants that disrupt it are likely to be disease-causing. For these reasons, this variant has been classified as Pathogenic.

Literature cited by the submitters: PubMed 26942287.